The following is an entry in ClinVar:

NM_001453.3(FOXC1):c.868T>G (p.Ser290Ala)

Gene: FOXC1 (forkhead box C1; plus strand). Cytogenetic location: 6p25.3.
Variant type: single nucleotide variant.
Coding change: c.868T>G on transcript NM_001453.3 (MANE Select); coding-DNA position 868, T replaced by G.
Protein change: p.Ser290Ala; replaces serine 290 with alanine.
Molecular consequence: missense variant.
Genome position (GRCh38, 1-based): chr6:1,611,313, T>G. VCF-style: chr6-1611313-T-G. GRCh37 (hg19) VCF-style: chr6-1611548-T-G.
Other names: short protein forms S290A.
Identifiers: ClinVar variation 3016742 (VCV003016742.3), dbSNP rs1227527808, ClinGen allele CA362559742.
Genomic context (GRCh38, chr6:1,611,313, plus strand): 5'-GGGAGCAGCCCCCCGGGCAGCCTGCCGTCGGCGCGGCCGCTCAGCCTGGACGGTGCGGAT[T>G]CCGCGCCGCCGCCGCCCGCGCCCTCCGCCCCGCCGCCGCACCATAGCCAGGGCTTCAGCG-3'
Protein context (NP_001444.2, residues 280-300): ARPLSLDGAD[Ser290Ala]APPPPAPSAP

ClinVar aggregate classification (germline): Uncertain significance (1 of 4 stars; one submission).

Conditions:
Axenfeld-Rieger syndrome type 3 (RIEG3). Also called: AXENFELD-RIEGER ANOMALY WITH CARDIAC DEFECTS AND/OR SENSORINEURAL HEARING LOSS. Identifiers: Orphanet 782, MedGen C2678503, MONDO:0011233, OMIM 602482.

Submission:

Labcorp Genetics (formerly Invitae), Labcorp
Classification: Uncertain significance for Axenfeld-Rieger syndrome type 3. Last evaluated: 2023-11-10. Review status: criteria provided, single submitter. Criteria: Invitae Variant Classification Sherloc (09022015). Collection method: clinical testing. Allele origin: germline.
Comment: This sequence change replaces serine, which is neutral and polar, with alanine, which is neutral and non-polar, at codon 290 of the FOXC1 protein (p.Ser290Ala). This variant is not present in population databases (gnomAD no frequency). This variant has not been reported in the literature in individuals affected with FOXC1-related conditions. An algorithm developed to predict the effect of missense changes on protein structure and function (PolyPhen-2) suggests that this variant is likely to be tolerated. In summary, the available evidence is currently insufficient to determine the role of this variant in disease. Therefore, it has been classified as a Variant of Uncertain Significance.